The following is an entry in ClinVar:

ClinVar aggregate classification (germline): Uncertain significance (1 of 4 stars; one submission).

gnomAD v4.1: 12 of 1,614,082 alleles (0.00074%); highest among the groups gnomAD compares: Admixed American, 0.0017%; no homozygotes.

Submission:

Labcorp Genetics (formerly Invitae), Labcorp
Classification: Uncertain significance. Last evaluated: 2024-10-11. Review status: criteria provided, single submitter. Criteria: Invitae Variant Classification Sherloc (09022015). Collection method: clinical testing. Allele origin: germline.
Comment: This sequence change replaces asparagine, which is neutral and polar, with serine, which is neutral and polar, at codon 301 of the LIPG protein (p.Asn301Ser). This variant is present in population databases (rs749055156, gnomAD 0.003%). This variant has not been reported in the literature in individuals affected with LIPG-related conditions. An algorithm developed to predict the effect of missense changes on protein structure and function (PolyPhen-2) suggests that this variant is likely to be tolerated. In summary, the available evidence is currently insufficient to determine the role of this variant in disease. Therefore, it has been classified as a Variant of Uncertain Significance.

NM_006033.4(LIPG):c.902A>G (p.Asn301Ser)

Gene: LIPG (lipase G, endothelial type; plus strand). Cytogenetic location: 18q21.1.
Variant type: single nucleotide variant.
Coding change: c.902A>G on transcript NM_006033.4 (MANE Select); coding-DNA position 902, A replaced by G.
Protein change: p.Asn301Ser; replaces asparagine 301 with serine.
Molecular consequence: missense variant.
Genome position (GRCh38, 1-based): chr18:49,581,523, A>G. VCF-style: chr18-49581523-A-G. GRCh37 (hg19) VCF-style: chr18-47107893-A-G.
Other names: c.680A>G, p.Asn227Ser (NM_001308006.2); short protein forms N227S, N301S.
Identifiers: ClinVar variation 3620248 (VCV003620248.2).
Genomic context (GRCh38, chr18:49,581,523, plus strand): 5'-TTGTTGACTCTCTGGTGAATCAGGACAAGCCGAGTTTTGCCTTCCAGTGCACTGACTCCA[A>G]TCGCTTCAAAAAGGGGATCTGTCTGAGCTGCCGCAAGAACCGTTGTAATAGCATTGGCTA-3'
Protein context (NP_006024.1, residues 291-311): PSFAFQCTDS[Asn301Ser]RFKKGICLSC